The following is an entry in ClinVar:

ClinVar aggregate classification (germline): Pathogenic. Review status: criteria provided, multiple submitters, no conflicts (2 of 4 stars). 4 submissions from 4 submitters: Pathogenic (3). 1 of the submissions does not count toward it. Last evaluated 2024-11-18.

Conditions:
ABCA4-related disorder. Also called: ABCA4-related disorders; ABCA4-related condition. Identifiers: MedGen CN239167.
Cone-rod dystrophy 3 (CORD3). Identifiers: Orphanet 1872, MedGen C1858806, MONDO:0011395, OMIM 604116.
Retinal dystrophy. Also called: Inherited retinal dystrophy. Identifiers: Orphanet 71862, MedGen C0854723, MeSH D058499, MONDO:0019118, HP:0000556.

Allele frequency attached by ClinVar (database versions not stated): gnomAD exomes below 0.00001.

Submissions (4):

Blueprint Genetics
Classification: Pathogenic for ABCA4-related disorders. Last evaluated: 2024-11-18. Review status: criteria provided, single submitter. Criteria: ACMG Guidelines, 2015. Collection method: clinical testing. Allele origin: germline. Affected: yes. Observed: 4 variant alleles.

Labcorp Genetics (formerly Invitae), Labcorp
Classification: Pathogenic. Last evaluated: 2024-06-14. Review status: criteria provided, single submitter. Criteria: Invitae Variant Classification Sherloc (09022015). Collection method: clinical testing. Allele origin: germline.
Comment: This sequence change creates a premature translational stop signal (p.Trp239*) in the ABCA4 gene. It is expected to result in an absent or disrupted protein product. Loss-of-function variants in ABCA4 are known to be pathogenic (PMID: 10958761, 24938718, 25312043, 26780318). This variant is present in population databases (no rsID available, gnomAD 0.0009%). This premature translational stop signal has been observed in individual(s) with ABCA4-related conditions (PMID: 31054281, 35120629). ClinVar contains an entry for this variant (Variation ID: 599103). For these reasons, this variant has been classified as Pathogenic.

Institute of Human Genetics, Univ. Regensburg, Univ. Regensburg
Classification: Pathogenic for Retinal dystrophy. Last evaluated: 2016-01-01. Review status: criteria provided, single submitter. Criteria: ACMG Guidelines, 2015. Collection method: clinical testing. Allele origin: germline. Affected: yes.

Bioscientia Institut fuer Medizinische Diagnostik GmbH, Sonic Healthcare
Classification: Pathogenic for Cone-rod dystrophy 3. Last evaluated: 2018-04-09. Review status: no assertion criteria provided. Collection method: clinical testing. Allele origin: germline. Affected: yes. Not counted in ClinVar's aggregate classification.

Literature cited by the submitters: PubMed 10958761 (cited by Labcorp Genetics (formerly Invitae), Labcorp); PubMed 24938718 (cited by Labcorp Genetics (formerly Invitae), Labcorp); PubMed 25312043 (cited by Labcorp Genetics (formerly Invitae), Labcorp); PubMed 26780318 (cited by Labcorp Genetics (formerly Invitae), Labcorp); PubMed 31054281 (cited by Labcorp Genetics (formerly Invitae), Labcorp and Institute of Human Genetics, Univ. Regensburg, Univ. Regensburg); PubMed 35120629 (cited by Labcorp Genetics (formerly Invitae), Labcorp); PubMed 3196484 (cited by Institute of Human Genetics, Univ. Regensburg, Univ. Regensburg).

NM_000350.3(ABCA4):c.716G>A (p.Trp239Ter)

Gene: ABCA4 (ATP binding cassette subfamily A member 4; minus strand). Cytogenetic location: 1p22.1.
Variant type: single nucleotide variant.
Coding change: c.716G>A on transcript NM_000350.3 (MANE Select); coding-DNA position 716, G replaced by A.
Protein change: p.Trp239Ter; replaces tryptophan 239 with a stop codon.
Molecular consequence: nonsense.
Genome position (GRCh38, 1-based): chr1:94,098,846, C>T on the plus strand (G>A on the coding strand, the complement: ABCA4 is on the minus strand). VCF-style: chr1-94098846-C-T. GRCh37 (hg19) VCF-style: chr1-94564402-C-T.
Other names: c.716G>A, p.Trp239Ter (NM_001425324.1); short protein forms W239*.
Identifiers: ClinVar variation 599103 (VCV000599103.6), dbSNP rs755733328, ClinGen allele CA341289161.